The following is an entry in ClinVar:

NM_017617.5(NOTCH1):c.1670-9A>G

Gene: NOTCH1 (notch receptor 1; minus strand). Cytogenetic location: 9q34.3.
Variant type: single nucleotide variant.
Coding change: c.1670-9A>G on transcript NM_017617.5 (MANE Select); 9 bases into the intron before coding-DNA position 1670, A replaced by G.
Molecular consequence: intron variant.
Genome position (GRCh38, 1-based): chr9:136,515,725, T>C on the plus strand (A>G on the coding strand, the complement: NOTCH1 is on the minus strand). VCF-style: chr9-136515725-T-C. GRCh37 (hg19) VCF-style: chr9-139410177-T-C.
Other names: p.?; c.1670-9A>G (LRG_1122t1, NM_017617.4).
Identifiers: ClinVar variation 288086 (VCV000288086.24), dbSNP rs3124603, ClinGen allele CA5341662.

ClinVar aggregate classification (germline): Benign. Review status: criteria provided, multiple submitters, no conflicts (2 of 4 stars). 13 submissions from 12 submitters: Benign (9). 4 of the submissions do not count toward it. Last evaluated 2026-02-04.

Conditions:
Aortic valve disease 1 (AOVD1). Identifiers: MedGen C3887892, MONDO:0024523, OMIM 109730.
Adams-Oliver syndrome 5 (AOS5). Identifiers: Orphanet 974, MedGen C4014970, MONDO:0014459, OMIM 616028.

Allele frequency attached by ClinVar (database versions not stated): gnomAD exomes 0.37604 and 0.46155; ESP Exome Variant Server 0.39609; ExAC 0.43614; gnomAD 0.47096 and 0.47256; TOPMed 0.48373; 1000 Genomes Project 30x 0.58120; 1000 Genomes Project 0.58726.
gnomAD v4.1: 592,542 of 1,532,674 alleles (39%); highest among the groups gnomAD compares: East Asian, 87%; 124,882 homozygotes.

Submissions (13):

Labcorp Genetics (formerly Invitae), Labcorp
Classification: Benign for Adams-Oliver syndrome 5. Last evaluated: 2026-02-04. Review status: criteria provided, single submitter. Criteria: Invitae Variant Classification Sherloc (09022015). Collection method: clinical testing. Allele origin: germline.

Blueprint Genetics
Classification: Benign. Last evaluated: 2024-11-27. Review status: criteria provided, single submitter. Criteria: ACMG Guidelines, 2015. Collection method: clinical testing. Allele origin: germline.

Women's Health and Genetics/Laboratory Corporation of America, LabCorp
Classification: Benign. Last evaluated: 2023-04-04. Review status: criteria provided, single submitter. Criteria: LabCorp Variant Classification Summary - May 2015. Collection method: clinical testing. Allele origin: germline.

Genome-Nilou Lab
Classification: Benign for Adams-Oliver syndrome 5. Last evaluated: 2021-09-05. Review status: criteria provided, single submitter. Criteria: ACMG Guidelines, 2015. Collection method: clinical testing. Allele origin: germline. Affected: no.

Genome-Nilou Lab
Classification: Benign for Aortic valve disease 1. Last evaluated: 2021-09-05. Review status: criteria provided, single submitter. Criteria: ACMG Guidelines, 2015. Collection method: clinical testing. Allele origin: germline. Affected: no.

Mayo Clinic Laboratories, Mayo Clinic
Classification: Benign. Last evaluated: 2017-11-10. Review status: criteria provided, single submitter. Criteria: ACMG Guidelines, 2015. Collection method: clinical testing. Allele origin: germline. Observed: 937 variant alleles.

GeneDx
Classification: Benign. Last evaluated: 2016-09-22. Review status: criteria provided, single submitter. Criteria: GeneDx Variant Classification (06012015). Collection method: clinical testing. Allele origin: germline. Affected: yes.
Comment: This variant is considered likely benign or benign based on one or more of the following criteria: it is a conservative change, it occurs at a poorly conserved position in the protein, it is predicted to be benign by multiple in silico algorithms, and/or has population frequency not consistent with disease.

Eurofins Ntd Llc (ga)
Classification: Benign. Last evaluated: 2016-05-27. Review status: criteria provided, single submitter. Criteria: EGL Classification Definitions 2015. Collection method: clinical testing. Allele origin: germline. Observed: 2 variant alleles, 2 heterozygotes.

Breakthrough Genomics
Classification: Benign. Review status: criteria provided, single submitter. Criteria: ACMG Guidelines, 2015. Collection method: not provided. Allele origin: germline. Inheritance: Autosomal dominant inheritance. Affected: yes.

Clinical Genetics, Academic Medical Center
Classification: Benign. Review status: no assertion criteria provided. Collection method: clinical testing. Allele origin: germline. Affected: yes. Study: VKGL Data-share Consensus. Not counted in ClinVar's aggregate classification.

Diagnostic Laboratory, Department of Genetics, University Medical Center Groningen
Classification: Benign for Aortic valve disease 1. Review status: no assertion criteria provided. Collection method: clinical testing. Allele origin: germline. Affected: yes. Study: VKGL Data-share Consensus. Not counted in ClinVar's aggregate classification.

Genome Diagnostics Laboratory, Amsterdam University Medical Center
Classification: Benign. Review status: no assertion criteria provided. Collection method: clinical testing. Allele origin: germline. Affected: yes. Study: VKGL Data-share Consensus. Not counted in ClinVar's aggregate classification.

Joint Genome Diagnostic Labs from Nijmegen and Maastricht, Radboudumc and MUMC+
Classification: Benign. Review status: no assertion criteria provided. Collection method: clinical testing. Allele origin: germline. Affected: yes. Study: VKGL Data-share Consensus. Not counted in ClinVar's aggregate classification.

Literature cited by the submitters: PubMed 16614245 (cited by Women's Health and Genetics/Laboratory Corporation of America, LabCorp); PubMed 19635999 (cited by Women's Health and Genetics/Laboratory Corporation of America, LabCorp); PubMed 19245433 (cited by Women's Health and Genetics/Laboratory Corporation of America, LabCorp); PubMed 22858860 (cited by Women's Health and Genetics/Laboratory Corporation of America, LabCorp).